The following is an entry in ClinVar:

ClinVar aggregate classification (germline): Uncertain significance (1 of 4 stars; one submission).

gnomAD v4.1: 1 of 1,547,692 alleles (0.000065%); no homozygotes.

Submission:

Labcorp Genetics (formerly Invitae), Labcorp
Classification: Uncertain significance. Last evaluated: 2024-08-18. Review status: criteria provided, single submitter. Criteria: Invitae Variant Classification Sherloc (09022015). Collection method: clinical testing. Allele origin: germline.
Comment: This sequence change replaces glycine, which is neutral and non-polar, with aspartic acid, which is acidic and polar, at codon 3475 of the ZNF469 protein (p.Gly3475Asp). This variant is not present in population databases (gnomAD no frequency). This variant has not been reported in the literature in individuals affected with ZNF469-related conditions. An algorithm developed to predict the effect of missense changes on protein structure and function (PolyPhen-2) suggests that this variant is likely to be tolerated. In summary, the available evidence is currently insufficient to determine the role of this variant in disease. Therefore, it has been classified as a Variant of Uncertain Significance.

NM_001367624.2(ZNF469):c.10508G>A (p.Gly3503Asp)

Gene: ZNF469 (zinc finger protein 469; plus strand). Cytogenetic location: 16q24.2.
Variant type: single nucleotide variant.
Coding change: c.10508G>A on transcript NM_001367624.2 (MANE Select); coding-DNA position 10508, G replaced by A.
Protein change: p.Gly3503Asp; replaces glycine 3503 with aspartic acid.
Molecular consequence: missense variant.
Genome position (GRCh38, 1-based): chr16:88,437,978, G>A. VCF-style: chr16-88437978-G-A. GRCh37 (hg19) VCF-style: chr16-88504386-G-A.
Other names: short protein forms G3503D.
Identifiers: ClinVar variation 3618804 (VCV003618804.2).